The following is an entry in ClinVar:

ClinVar aggregate classification (germline): Uncertain significance (1 of 4 stars; one submission).

Allele frequency attached by ClinVar (database versions not stated): gnomAD exomes 0.00002 and 0.00006; gnomAD 0.00004; TOPMed 0.00004; ExAC 0.00006.
gnomAD v4.1: 42 of 1,613,924 alleles (0.0026%); highest among the groups gnomAD compares: East Asian, 0.031%; no homozygotes.

Submission:

Labcorp Genetics (formerly Invitae), Labcorp
Classification: Uncertain significance. Last evaluated: 2025-05-18. Review status: criteria provided, single submitter. Criteria: Invitae Variant Classification Sherloc (09022015). Collection method: clinical testing. Allele origin: germline.
Comment: This sequence change replaces threonine, which is neutral and polar, with isoleucine, which is neutral and non-polar, at codon 490 of the ANGPT1 protein (p.Thr490Ile). This variant is present in population databases (rs749037238, gnomAD 0.05%). This variant has not been reported in the literature in individuals affected with ANGPT1-related conditions. ClinVar contains an entry for this variant (Variation ID: 1421651). An algorithm developed to predict the effect of missense changes on protein structure and function (PolyPhen-2) suggests that this variant is likely to be disruptive. In summary, the available evidence is currently insufficient to determine the role of this variant in disease. Therefore, it has been classified as a Variant of Uncertain Significance.

NM_001146.5(ANGPT1):c.1469C>T (p.Thr490Ile)

Gene: ANGPT1 (angiopoietin 1; minus strand). Cytogenetic location: 8q23.1.
Variant type: single nucleotide variant.
Coding change: c.1469C>T on transcript NM_001146.5 (MANE Select); coding-DNA position 1469, C replaced by T.
Protein change: p.Thr490Ile; replaces threonine 490 with isoleucine.
Molecular consequence: missense variant.
Genome position (GRCh38, 1-based): chr8:107,251,883, G>A on the plus strand (C>T on the coding strand, the complement: ANGPT1 is on the minus strand). VCF-style: chr8-107251883-G-A. GRCh37 (hg19) VCF-style: chr8-108264111-G-A.
Other names: c.1466C>T, p.Thr489Ile (NM_001199859.3); c.869C>T, p.Thr290Ile (NM_001314051.2); short protein forms T490I, T290I, T489I.
Identifiers: ClinVar variation 1421651 (VCV001421651.8), dbSNP rs749037238, ClinGen allele CA4841115.